The following is an entry in ClinVar:

NM_144687.4(NLRP12):c.250G>A (p.Asp84Asn)

Gene: NLRP12 (NLR family pyrin domain containing 12; minus strand). Cytogenetic location: 19q13.42.
Variant type: single nucleotide variant.
Coding change: c.250G>A on transcript NM_144687.4 (MANE Select); coding-DNA position 250, G replaced by A.
Protein change: p.Asp84Asn; replaces aspartic acid 84 with asparagine.
Molecular consequence: missense variant.
Genome position (GRCh38, 1-based): chr19:53,823,925, C>T on the plus strand (G>A on the coding strand, the complement: NLRP12 is on the minus strand). VCF-style: chr19-53823925-C-T. GRCh37 (hg19) VCF-style: chr19-54327179-C-T.
Other names: c.250G>A, p.Asp84Asn (NM_001277126.2, NM_001277129.1); short protein forms D84N.
Identifiers: ClinVar variation 1487792 (VCV001487792.6), dbSNP rs369320436, ClinGen allele CA9639806.

ClinVar aggregate classification (germline): Uncertain significance (1 of 4 stars; one submission).

Conditions:
Familial cold autoinflammatory syndrome 2 (FCAS2). Identifiers: Orphanet 247868, MedGen C2673198, MONDO:0012724, OMIM 611762.

Allele frequency attached by ClinVar (database versions not stated): gnomAD 0.00001; gnomAD exomes 0.00001; ExAC 0.00002; TOPMed 0.00002; ESP Exome Variant Server 0.00008.
gnomAD v4.1: 10 of 1,613,974 alleles (0.00062%); highest among the groups gnomAD compares: Non-Finnish European, 0.00068%; no homozygotes.

Submission:

Labcorp Genetics (formerly Invitae), Labcorp
Classification: Uncertain significance for Familial cold autoinflammatory syndrome 2. Last evaluated: 2025-04-14. Review status: criteria provided, single submitter. Criteria: Invitae Variant Classification Sherloc (09022015). Collection method: clinical testing. Allele origin: germline.
Comment: This sequence change replaces aspartic acid, which is acidic and polar, with asparagine, which is neutral and polar, at codon 84 of the NLRP12 protein (p.Asp84Asn). This variant is present in population databases (rs369320436, gnomAD 0.002%). This variant has not been reported in the literature in individuals affected with NLRP12-related conditions. ClinVar contains an entry for this variant (Variation ID: 1487792). Invitae Evidence Modeling of protein sequence and biophysical properties (such as structural, functional, and spatial information, amino acid conservation, physicochemical variation, residue mobility, and thermodynamic stability) indicates that this missense variant is not expected to disrupt NLRP12 protein function with a negative predictive value of 80%. In summary, the available evidence is currently insufficient to determine the role of this variant in disease. Therefore, it has been classified as a Variant of Uncertain Significance.